The following is an entry in ClinVar:

ClinVar aggregate classification (germline): Uncertain significance. Review status: criteria provided, multiple submitters, no conflicts (2 of 4 stars). 2 submissions from 2 submitters: Uncertain significance (2). Last evaluated 2024-12-12.

Conditions:
Inborn genetic diseases. Identifiers: MedGen C0950123, MeSH D030342.

Allele frequency attached by ClinVar (database versions not stated): gnomAD 0.00001; TOPMed 0.00001; gnomAD exomes 0.00002; ExAC 0.00004.
gnomAD v4.1: 13 of 1,607,962 alleles (0.00081%); highest among the groups gnomAD compares: Admixed American, 0.015%; no homozygotes.

Submissions (2):

Ambry Genetics
Classification: Uncertain significance for Inborn genetic diseases. Last evaluated: 2024-12-12. Review status: criteria provided, single submitter. Criteria: Ambry Variant Classification Scheme 2023. Collection method: clinical testing. Allele origin: germline.

Labcorp Genetics (formerly Invitae), Labcorp
Classification: Uncertain significance. Last evaluated: 2023-08-10. Review status: criteria provided, single submitter. Criteria: Invitae Variant Classification Sherloc (09022015). Collection method: clinical testing. Allele origin: germline.
Comment: Advanced modeling of protein sequence and biophysical properties (such as structural, functional, and spatial information, amino acid conservation, physicochemical variation, residue mobility, and thermodynamic stability) performed at Invitae indicates that this missense variant is not expected to disrupt EXOSC9 protein function. ClinVar contains an entry for this variant (Variation ID: 2083160). This variant has not been reported in the literature in individuals affected with EXOSC9-related conditions. This variant is present in population databases (rs765363496, gnomAD 0.02%). This sequence change replaces isoleucine, which is neutral and non-polar, with threonine, which is neutral and polar, at codon 146 of the EXOSC9 protein (p.Ile146Thr). In summary, the available evidence is currently insufficient to determine the role of this variant in disease. Therefore, it has been classified as a Variant of Uncertain Significance.

NM_005033.3(EXOSC9):c.437T>C (p.Ile146Thr)

Gene: EXOSC9 (exosome component 9; plus strand). Cytogenetic location: 4q27.
Variant type: single nucleotide variant.
Coding change: c.437T>C on transcript NM_005033.3 (MANE Select); coding-DNA position 437, T replaced by C.
Protein change: p.Ile146Thr; replaces isoleucine 146 with threonine.
Molecular consequence: missense variant.
Genome position (GRCh38, 1-based): chr4:121,804,674, T>C. VCF-style: chr4-121804674-T-C. GRCh37 (hg19) VCF-style: chr4-122725829-T-C.
Other names: c.437T>C (NM_001034194.1); c.437T>C, p.Ile146Thr (NM_001034194.2); short protein forms I146T.
Identifiers: ClinVar variation 2083160 (VCV002083160.5), dbSNP rs765363496, ClinGen allele CA3063399.